The following is an entry in ClinVar:

NM_030912.3(TRIM8):c.1048+40T>C

Gene: TRIM8 (tripartite motif containing 8; plus strand). Cytogenetic location: 10q24.32.
Variant type: single nucleotide variant.
Coding change: c.1048+40T>C on transcript NM_030912.3 (MANE Select); 40 bases into the intron after coding-DNA position 1048, T replaced by C.
Molecular consequence: intron variant.
Genome position (GRCh38, 1-based): chr10:102,656,425, T>C. VCF-style: chr10-102656425-T-C. GRCh37 (hg19) VCF-style: chr10-104416182-T-C.
Other names: c.952+40T>C (NM_001345950.1).
Identifiers: ClinVar variation 4534292 (VCV004534292.6).

ClinVar aggregate classification (germline): Likely benign (1 of 4 stars; one submission).

gnomAD v4.1: 923 of 1,581,874 alleles (0.058%); highest among the groups gnomAD compares: African/African-American, 1.1%; 9 homozygotes.

Submission:

CeGaT Center for Human Genetics Tuebingen
Classification: Likely benign. Last evaluated: 2025-10-01. Review status: criteria provided, single submitter. Criteria: CeGaT Center For Human Genetics Tuebingen Variant Classification Criteria Version 2. Collection method: clinical testing. Allele origin: germline. Affected: yes. Observed: 1 variant allele.
Comment: TRIM8: BS1